The following is an entry in ClinVar:

NM_015271.5(TRIM2):c.1411G>A (p.Gly471Ser)

Gene: TRIM2 (tripartite motif containing 2; plus strand). Cytogenetic location: 4q31.3.
Variant type: single nucleotide variant.
Coding change: c.1411G>A on transcript NM_015271.5 (MANE Select); coding-DNA position 1411, G replaced by A.
Protein change: p.Gly471Ser; replaces glycine 471 with serine.
Molecular consequence: missense variant.
Genome position (GRCh38, 1-based): chr4:153,295,937, G>A. VCF-style: chr4-153295937-G-A. GRCh37 (hg19) VCF-style: chr4-154217089-G-A.
Other names: c.1330G>A, p.Gly444Ser (NM_001130067.2, NM_001351056.2, NM_001375512.1 and 5 more transcripts); c.1384G>A, p.Gly462Ser (NM_001351054.2); c.1381G>A, p.Gly461Ser (NM_001351055.2); c.955G>A, p.Gly319Ser (NM_001351057.2); c.1504G>A, p.Gly502Ser (NM_001375488.1); c.1501G>A, p.Gly501Ser (NM_001375489.1); c.1354G>A, p.Gly452Ser (NM_001375490.1); c.1351G>A, p.Gly451Ser (NM_001375491.1); and 4 more; short protein forms G451S, G461S, G358S, G359S, G360S, G462S, G319S, G452S.
Identifiers: ClinVar variation 956456 (VCV000956456.10), dbSNP rs147042335, ClinGen allele CA3108734.

ClinVar aggregate classification (germline): Uncertain significance. Review status: criteria provided, multiple submitters, no conflicts (2 of 4 stars). 2 submissions from 2 submitters: Uncertain significance (2). Last evaluated 2025-05-07.

Conditions:
Charcot-Marie-Tooth disease type 2R. Also called: Charcot-Marie-Tooth disease, axonal, type 2R; CHARCOT-MARIE-TOOTH DISEASE, AXONAL, AUTOSOMAL RECESSIVE, TYPE 2R; CHARCOT-MARIE-TOOTH NEUROPATHY, TYPE 2R. Identifiers: Orphanet 397968, MedGen C3809655, MONDO:0014208, OMIM 615490.

Allele frequency attached by ClinVar (database versions not stated): gnomAD 0.00001; TOPMed 0.00002; gnomAD exomes 0.00003 and 0.00006; ExAC 0.00007; ESP Exome Variant Server 0.00008.
gnomAD v4.1: 43 of 1,594,320 alleles (0.0027%); highest among the groups gnomAD compares: Middle Eastern, 0.033%; no homozygotes.

Submissions (2):

Labcorp Genetics (formerly Invitae), Labcorp
Classification: Uncertain significance for Charcot-Marie-Tooth disease type 2R. Last evaluated: 2025-05-07. Review status: criteria provided, single submitter. Criteria: Invitae Variant Classification Sherloc (09022015). Collection method: clinical testing. Allele origin: germline.
Comment: This sequence change replaces glycine, which is neutral and non-polar, with serine, which is neutral and polar, at codon 444 of the TRIM2 protein (p.Gly444Ser). This variant is present in population databases (rs147042335, gnomAD 0.02%). This variant has not been reported in the literature in individuals affected with TRIM2-related conditions. ClinVar contains an entry for this variant (Variation ID: 956456). An algorithm developed to predict the effect of missense changes on protein structure and function (PolyPhen-2) suggests that this variant is likely to be tolerated. In summary, the available evidence is currently insufficient to determine the role of this variant in disease. Therefore, it has been classified as a Variant of Uncertain Significance.

Ambry Genetics
Classification: Uncertain significance. Last evaluated: 2021-09-28. Review status: criteria provided, single submitter. Criteria: Ambry Variant Classification Scheme 2023. Collection method: clinical testing. Allele origin: germline.